The following is an entry in ClinVar:

NM_024503.5(HIVEP3):c.5832G>A (p.Pro1944=)

Gene: HIVEP3 (HIVEP zinc finger 3; minus strand). Cytogenetic location: 1p34.2.
Variant type: single nucleotide variant.
Coding change: c.5832G>A on transcript NM_024503.5 (MANE Select); coding-DNA position 5832, G replaced by A.
Protein change: p.Pro1944=; no amino-acid change (proline 1944 retained).
Molecular consequence: synonymous variant.
Genome position (GRCh38, 1-based): chr1:41,513,389, C>T on the plus strand (G>A on the coding strand, the complement: HIVEP3 is on the minus strand). VCF-style: chr1-41513389-C-T. GRCh37 (hg19) VCF-style: chr1-41979060-C-T.
Other names: c.5832G>A, p.Pro1944= (NM_001127714.3).
Identifiers: ClinVar variation 3352779 (VCV003352779.1).

ClinVar aggregate classification (germline): Likely benign (0 of 4 stars; one submission).

Conditions:
HIVEP3-related disorder. Also called: HIVEP3-related condition.

Submission:

PreventionGenetics, part of Exact Sciences
Classification: Likely benign for HIVEP3-related condition. Last evaluated: 2019-04-24. Review status: no assertion criteria provided. Collection method: clinical testing. Allele origin: germline.
Comment: This variant is classified as likely benign based on ACMG/AMP sequence variant interpretation guidelines (Richards et al. 2015 PMID: 25741868, with internal and published modifications).